The following is an entry in ClinVar:

ClinVar aggregate classification (germline): Uncertain significance (1 of 4 stars; one submission).

Conditions:
Long QT syndrome (LQTS). Identifiers: MedGen C0023976, MeSH D008133, MONDO:0002442. Disease mechanism: loss of function. Inheritance: Various modes of inheritance.

gnomAD v4.1: 2 of 1,612,984 alleles (0.00012%); highest among the groups gnomAD compares: African/African-American, 0.0027%; no homozygotes.

Submission:

Labcorp Genetics (formerly Invitae), Labcorp
Classification: Uncertain significance for Long QT syndrome. Last evaluated: 2025-09-05. Review status: criteria provided, single submitter. Criteria: Invitae Variant Classification Sherloc (09022015). Collection method: clinical testing. Allele origin: germline.
Comment: This sequence change replaces glutamine, which is neutral and polar, with histidine, which is basic and polar, at codon 530 of the KCNQ1 protein (p.Gln530His). This variant also falls at the last nucleotide of exon 12, which is part of the consensus splice site for this exon. This variant is not present in population databases (gnomAD no frequency). This variant has not been reported in the literature in individuals affected with KCNQ1-related conditions. Invitae Evidence Modeling of protein sequence and biophysical properties (such as structural, functional, and spatial information, amino acid conservation, physicochemical variation, residue mobility, and thermodynamic stability) indicates that this missense variant is expected to disrupt KCNQ1 protein function with a positive predictive value of 95%. Variants that disrupt the consensus splice site are a relatively common cause of aberrant splicing (PMID: 17576681, 9536098). In summary, the available evidence is currently insufficient to determine the role of this variant in disease. Therefore, it has been classified as a Variant of Uncertain Significance.

Literature cited by the submitters: PubMed 17576681; PubMed 9536098.

NM_000218.3(KCNQ1):c.1590G>C (p.Gln530His)

Gene: KCNQ1 (potassium voltage-gated channel subfamily Q member 1; plus strand). Cytogenetic location: 11p15.5.
Variant type: single nucleotide variant.
Coding change: c.1590G>C on transcript NM_000218.3 (MANE Select); coding-DNA position 1590, G replaced by C.
Protein change: p.Gln530His; replaces glutamine 530 with histidine.
Molecular consequence: missense variant.
Genome position (GRCh38, 1-based): chr11:2,768,919, G>C. VCF-style: chr11-2768919-G-C. GRCh37 (hg19) VCF-style: chr11-2790149-G-C.
Other names: c.1494G>C, p.Gln498His (NM_001406836.1); c.1320G>C, p.Gln440His (NM_001406837.1); c.1050G>C, p.Gln350His (NM_001406838.1); c.1209G>C, p.Gln403His (NM_181798.2); short protein forms Q350H, Q403H, Q498H, Q440H, Q530H.
Identifiers: ClinVar variation 4746587 (VCV004746587.1).